The following is an entry in ClinVar:

ClinVar aggregate classification (germline): Uncertain significance (1 of 4 stars; one submission).

Conditions:
Perlman syndrome (PRLMNS). Identifiers: Orphanet 2849, MedGen C0796113, MONDO:0009965, OMIM 267000.

Submission:

Labcorp Genetics (formerly Invitae), Labcorp
Classification: Uncertain significance for Perlman syndrome. Last evaluated: 2023-12-06. Review status: criteria provided, single submitter. Criteria: Invitae Variant Classification Sherloc (09022015). Collection method: clinical testing. Allele origin: germline.
Comment: This sequence change replaces aspartic acid, which is acidic and polar, with tyrosine, which is neutral and polar, at codon 272 of the DIS3L2 protein (p.Asp272Tyr). This variant is not present in population databases (gnomAD no frequency). This variant has not been reported in the literature in individuals affected with DIS3L2-related conditions. ClinVar contains an entry for this variant (Variation ID: 1718331). Advanced modeling of protein sequence and biophysical properties (such as structural, functional, and spatial information, amino acid conservation, physicochemical variation, residue mobility, and thermodynamic stability) performed at Invitae indicates that this missense variant is expected to disrupt DIS3L2 protein function with a positive predictive value of 80%. In summary, the available evidence is currently insufficient to determine the role of this variant in disease. Therefore, it has been classified as a Variant of Uncertain Significance.

NM_152383.5(DIS3L2):c.814G>T (p.Asp272Tyr)

Gene: DIS3L2 (DIS3 like 3'-5' exoribonuclease 2; plus strand). Cytogenetic location: 2q37.1.
Variant type: single nucleotide variant.
Coding change: c.814G>T on transcript NM_152383.5 (MANE Select); coding-DNA position 814, G replaced by T.
Protein change: p.Asp272Tyr; replaces aspartic acid 272 with tyrosine.
Molecular consequence: missense variant. On other transcripts: non-coding transcript variant (1).
Genome position (GRCh38, 1-based): chr2:232,136,583, G>T. VCF-style: chr2-232136583-G-T. GRCh37 (hg19) VCF-style: chr2-233001293-G-T.
Other names: c.814G>T, p.Asp272Tyr (NM_001257281.2); short protein forms D272Y.
Identifiers: ClinVar variation 1718331 (VCV001718331.5), dbSNP rs2469848500, ClinGen allele CA351153648.